The following is an entry in ClinVar:

ClinVar aggregate classification (germline): Uncertain significance (0 of 4 stars; one submission).

Conditions:
ANXA11-related disorder. Also called: ANXA11-related condition.

gnomAD v4.1: 1 of 1,613,388 alleles (0.000062%); highest among the groups gnomAD compares: Non-Finnish European, 0.000085%; no homozygotes.

Submission:

PreventionGenetics, part of Exact Sciences
Classification: Uncertain significance for ANXA11-related condition. Last evaluated: 2024-01-30. Review status: no assertion criteria provided. Collection method: clinical testing. Allele origin: germline.
Comment: The ANXA11 c.1346C>T variant is predicted to result in the amino acid substitution p.Thr449Ile. To our knowledge, this variant has not been reported in the literature or in a large population database, indicating this variant is rare. At this time, the clinical significance of this variant is uncertain due to the absence of conclusive functional and genetic evidence.

NM_145868.2(ANXA11):c.1346C>T (p.Thr449Ile)

Gene: ANXA11 (annexin A11; minus strand). Cytogenetic location: 10q22.3.
Variant type: single nucleotide variant.
Coding change: c.1346C>T on transcript NM_145868.2 (MANE Select); coding-DNA position 1346, C replaced by T.
Protein change: p.Thr449Ile; replaces threonine 449 with isoleucine.
Molecular consequence: missense variant.
Genome position (GRCh38, 1-based): chr10:80,157,753, G>A on the plus strand (C>T on the coding strand, the complement: ANXA11 is on the minus strand). VCF-style: chr10-80157753-G-A. GRCh37 (hg19) VCF-style: chr10-81917509-G-A.
Other names: c.1346C>T, p.Thr449Ile (NM_001157.3, NM_001278407.2, NM_001278408.2 and 1 more transcripts); c.1247C>T, p.Thr416Ile (NM_001278409.2); short protein forms T416I, T449I.
Identifiers: ClinVar variation 3348340 (VCV003348340.1).
Genomic context (GRCh38, chr10:80,157,753, plus strand): 5'-ATGTCCAGGAGGTCGGTCTCGCTGCGAGACACCATGATGCGAATCAGGGTCCGGTCCTTT[G>A]TTCCTGCCCCCTAAAGAGAGTCCACCCAAGAGCATGAGCACCAGGCCTCCTCACCTTCCC-3'
Protein context (NP_665875.1, residues 439-459): RLNKAMRGAG[Thr449Ile]KDRTLIRIMV